The following is an entry in ClinVar:

NM_172107.4(KCNQ2):c.2245G>A (p.Glu749Lys)

Gene: KCNQ2 (potassium voltage-gated channel subfamily Q member 2; minus strand). Cytogenetic location: 20q13.33.
Variant type: single nucleotide variant.
Coding change: c.2245G>A on transcript NM_172107.4 (MANE Select); coding-DNA position 2245, G replaced by A.
Protein change: p.Glu749Lys; replaces glutamic acid 749 with lysine.
Molecular consequence: missense variant.
Genome position (GRCh38, 1-based): chr20:63,407,018, C>T on the plus strand (G>A on the coding strand, the complement: KCNQ2 is on the minus strand). VCF-style: chr20-63407018-C-T. GRCh37 (hg19) VCF-style: chr20-62038371-C-T.
Other names: c.2161G>A, p.Glu721Lys (NM_004518.6); c.2191G>A, p.Glu731Lys (NM_172106.3); c.2152G>A, p.Glu718Lys (NM_172108.5); short protein forms E731K, E721K, E749K, E718K.
Identifiers: ClinVar variation 809267 (VCV000809267.49), dbSNP rs796052658, ClinGen allele CA409638259.

ClinVar aggregate classification (germline): Uncertain significance. Review status: criteria provided, multiple submitters, no conflicts (2 of 4 stars). 3 submissions from 3 submitters: Uncertain significance (3). Last evaluated 2022-09-01.

Conditions:
Early-infantile DEE. Also called: Ohtahara syndrome; Early infantile epileptic encephalopathy with suppression bursts; Early infantile epileptic encephalopathy. Identifiers: Orphanet 1934, MedGen C0393706, MONDO:0800491.
Developmental and epileptic encephalopathy, 7 (DEE7). Also called: KCNQ2-Related Neonatal-Onset Developmental and Epileptic Encephalopathy (NEO-DEE); Early infantile epileptic encephalopathy 7; KCNQ2-Related Neonatal Epileptic Encephalopathy. Identifiers: Orphanet 439218, MedGen C3150986, MONDO:0013387, OMIM 613720.

Allele frequency attached by ClinVar (database versions not stated): gnomAD exomes below 0.00001.
gnomAD v4.1: 1 of 1,525,924 alleles (0.000066%); highest among the groups gnomAD compares: South Asian, 0.0012%; no homozygotes.

Submissions (3):

Labcorp Genetics (formerly Invitae), Labcorp
Classification: Uncertain significance for Early-infantile DEE. Last evaluated: 2022-09-01. Review status: criteria provided, single submitter. Criteria: Invitae Variant Classification Sherloc (09022015). Collection method: clinical testing. Allele origin: germline.
Comment: This sequence change replaces glutamic acid, which is acidic and polar, with lysine, which is basic and polar, at codon 749 of the KCNQ2 protein (p.Glu749Lys). This variant is not present in population databases (gnomAD no frequency). This variant has not been reported in the literature in individuals affected with KCNQ2-related conditions. ClinVar contains an entry for this variant (Variation ID: 809267). Algorithms developed to predict the effect of missense changes on protein structure and function are either unavailable or do not agree on the potential impact of this missense change (SIFT: "Tolerated"; PolyPhen-2: "Possibly Damaging"; Align-GVGD: "Class C0"). In summary, the available evidence is currently insufficient to determine the role of this variant in disease. Therefore, it has been classified as a Variant of Uncertain Significance.

CeGaT Center for Human Genetics Tuebingen
Classification: Uncertain significance. Last evaluated: 2016-05-01. Review status: criteria provided, single submitter. Criteria: CeGaT Center For Human Genetics Tuebingen Variant Classification Criteria Version 2. Collection method: clinical testing. Allele origin: germline. Affected: yes. Observed: 1 variant allele.

Centre for Mendelian Genomics, University Medical Centre Ljubljana
Classification: Uncertain significance for Developmental and epileptic encephalopathy, 7. Last evaluated: 2016-01-01. Review status: criteria provided, single submitter. Criteria: ACMG Guidelines, 2015. Collection method: clinical testing. Allele origin: unknown. Affected: yes.
Comment: This variant was classified as: Uncertain significance.